The following is an entry in ClinVar:

ClinVar aggregate classification (germline): Uncertain significance (1 of 4 stars; one submission).

Conditions:
Cardiovascular phenotype. Identifiers: MedGen CN230736.

Submission:

Ambry Genetics
Classification: Uncertain significance for Cardiovascular phenotype. Last evaluated: 2024-04-28. Review status: criteria provided, single submitter. Criteria: Ambry Variant Classification Scheme 2023. Collection method: clinical testing. Allele origin: germline.
Comment: The p.G2711R variant (also known as c.8131G>C), located in coding exon 48 of the FLNC gene, results from a G to C substitution at nucleotide position 8131. The glycine at codon 2711 is replaced by arginine, an amino acid with dissimilar properties. This amino acid position is conserved. In addition, this alteration is predicted to be deleterious by in silico analysis. Based on the available evidence, the clinical significance of this variant remains unclear.

NM_001458.5(FLNC):c.8131G>C (p.Gly2711Arg)

Genes: FLNC-AS1 (FLNC antisense RNA 1; minus strand), FLNC (filamin C; plus strand). Cytogenetic location: 7q32.1.
Variant type: single nucleotide variant.
Coding change: c.8131G>C on transcript NM_001458.5 (MANE Select); coding-DNA position 8131, G replaced by C.
Protein change: p.Gly2711Arg; replaces glycine 2711 with arginine.
Molecular consequence: missense variant.
Genome position (GRCh38, 1-based): chr7:128,858,476, G>C. VCF-style: chr7-128858476-G-C. GRCh37 (hg19) VCF-style: chr7-128498530-G-C.
Other names: c.8032G>C, p.Gly2678Arg (NM_001127487.2); short protein forms G2678R, G2711R.
Identifiers: ClinVar variation 3279220 (VCV003279220.1).